The following is an entry in ClinVar:

NM_005619.5(RTN2):c.1630G>A (p.Ala544Thr)

Genes: RTN2 (reticulon 2; minus strand), OPA3-RTN2 (OPA3-RTN2 readthrough; minus strand). Cytogenetic location: 19q13.32.
Variant type: single nucleotide variant.
Coding change: c.1630G>A on transcript NM_005619.5 (MANE Select); coding-DNA position 1630, G replaced by A.
Protein change: p.Ala544Thr; replaces alanine 544 with threonine.
Molecular consequence: missense variant.
Genome position (GRCh38, 1-based): chr19:45,485,716, C>T on the plus strand (G>A on the coding strand, the complement: RTN2 is on the minus strand). VCF-style: chr19-45485716-C-T. GRCh37 (hg19) VCF-style: chr19-45988974-C-T.
Other names: c.1411G>A, p.Ala471Thr (NM_206900.3); c.610G>A, p.Ala204Thr (NM_206901.3); short protein forms A471T, A204T, A544T.
Identifiers: ClinVar variation 653220 (VCV000653220.17), dbSNP rs201387324, ClinGen allele CA9515886.

ClinVar aggregate classification (germline): Conflicting classifications of pathogenicity. Review status: criteria provided, conflicting classifications (1 of 4 stars). 5 submissions from 5 submitters: Uncertain significance (3); Likely benign (2). Last evaluated 2025-09-10.

Conditions:
Spastic paraplegia. Identifiers: MedGen C0037772, HP:0001258.
Hereditary spastic paraplegia 12 (SPG12). Also called: SPASTIC PARAPLEGIA 12, AUTOSOMAL DOMINANT. Identifiers: Orphanet 100993, MedGen C1858106, MONDO:0011489, OMIM 604805.
Inborn genetic diseases. Identifiers: MedGen C0950123, MeSH D030342.

Allele frequency attached by ClinVar (database versions not stated): ESP Exome Variant Server 0.00015; gnomAD 0.00015; TOPMed 0.00015; gnomAD exomes 0.00016 and 0.00044; ExAC 0.00021.
gnomAD v4.1: 661 of 1,613,908 alleles (0.041%); highest among the groups gnomAD compares: Non-Finnish European, 0.05%; 2 homozygotes.

Submissions (5):

Labcorp Genetics (formerly Invitae), Labcorp
Classification: Uncertain significance for Spastic paraplegia. Last evaluated: 2025-09-10. Review status: criteria provided, single submitter. Criteria: Invitae Variant Classification Sherloc (09022015). Collection method: clinical testing. Allele origin: germline.
Comment: This sequence change replaces alanine, which is neutral and non-polar, with threonine, which is neutral and polar, at codon 544 of the RTN2 protein (p.Ala544Thr). This variant is present in population databases (rs201387324, gnomAD 0.04%). This variant has not been reported in the literature in individuals affected with RTN2-related conditions. ClinVar contains an entry for this variant (Variation ID: 653220). Experimental studies and prediction algorithms are not available or were not evaluated, and the functional significance of this variant is currently unknown. In summary, the available evidence is currently insufficient to determine the role of this variant in disease. Therefore, it has been classified as a Variant of Uncertain Significance.

Ambry Genetics
Classification: Uncertain significance for Inborn genetic diseases. Last evaluated: 2025-04-13. Review status: criteria provided, single submitter. Criteria: Ambry Variant Classification Scheme 2023. Collection method: clinical testing. Allele origin: germline.

Revvity Omics, Revvity
Classification: Uncertain significance for Hereditary spastic paraplegia 12. Last evaluated: 2020-12-25. Review status: criteria provided, single submitter. Criteria: ACMG Guidelines, 2015. Collection method: clinical testing. Allele origin: germline.

Athena Diagnostics
Classification: Likely benign. Last evaluated: 2020-04-20. Review status: criteria provided, single submitter. Criteria: Athena Diagnostics Criteria. Collection method: clinical testing. Allele origin: unknown.

Illumina Laboratory Services, Illumina
Classification: Likely benign for Hereditary spastic paraplegia 12. Last evaluated: 2018-01-12. Review status: criteria provided, single submitter. Criteria: ICSL Variant Classification Criteria 13 December 2019. Collection method: clinical testing. Allele origin: germline.
Comment: This variant was observed in the ICSL laboratory as part of a predisposition screen in an ostensibly healthy population. It had not been previously curated by ICSL or reported in the Human Gene Mutation Database (HGMD: prior to June 1st, 2018), and was therefore a candidate for classification through an automated scoring system. Utilizing variant allele frequency, disease prevalence and penetrance estimates, and inheritance mode, an automated score was calculated to assess if this variant is too frequent to cause the disease. Based on the score and internal cut-off values, a variant classified as likely benign is not then subjected to further curation. The score for this variant resulted in a classification of likely benign for this disease.